The following is an entry in ClinVar:

ClinVar aggregate classification (germline): Uncertain significance (1 of 4 stars; one submission).

Submission:

Labcorp Genetics (formerly Invitae), Labcorp
Classification: Uncertain significance. Last evaluated: 2022-08-10. Review status: criteria provided, single submitter. Criteria: Invitae Variant Classification Sherloc (09022015). Collection method: clinical testing. Allele origin: germline.
Comment: This sequence change replaces proline, which is neutral and non-polar, with leucine, which is neutral and non-polar, at codon 624 of the COL11A1 protein (p.Pro624Leu). In summary, the available evidence is currently insufficient to determine the role of this variant in disease. Therefore, it has been classified as a Variant of Uncertain Significance. Advanced modeling of protein sequence and biophysical properties (such as structural, functional, and spatial information, amino acid conservation, physicochemical variation, residue mobility, and thermodynamic stability) performed at Invitae indicates that this missense variant is not expected to disrupt COL11A1 protein function. This variant has not been reported in the literature in individuals affected with COL11A1-related conditions. This variant is not present in population databases (gnomAD no frequency).

NM_001854.4(COL11A1):c.1871C>T (p.Pro624Leu)

Gene: COL11A1 (collagen type XI alpha 1 chain; minus strand). Cytogenetic location: 1p21.1.
Variant type: single nucleotide variant.
Coding change: c.1871C>T on transcript NM_001854.4 (MANE Select); coding-DNA position 1871, C replaced by T.
Protein change: p.Pro624Leu; replaces proline 624 with leucine.
Molecular consequence: missense variant. On other transcripts: non-coding transcript variant (1).
Genome position (GRCh38, 1-based): chr1:103,004,636, G>A on the plus strand (C>T on the coding strand, the complement: COL11A1 is on the minus strand). VCF-style: chr1-103004636-G-A. GRCh37 (hg19) VCF-style: chr1-103470192-G-A.
Other names: c.1523C>T, p.Pro508Leu (NM_001168249.1, NM_080630.4); c.1754C>T, p.Pro585Leu (NM_001190709.2); c.1907C>T, p.Pro636Leu (NM_080629.3); short protein forms P624L, P636L, P508L, P585L.
Identifiers: ClinVar variation 2127662 (VCV002127662.4), dbSNP rs2525389119, ClinGen allele CA341172966.